The following is an entry in ClinVar:

ClinVar aggregate classification (germline): Likely benign. Review status: criteria provided, multiple submitters, no conflicts (2 of 4 stars). 4 submissions from 4 submitters: Likely benign (4). Last evaluated 2025-09-29.

Conditions:
RPGRIP1L-related disorder. Also called: RPGRIP1L-related condition; RPGRIP1L-related disorders. Identifiers: MedGen CN239416.
Meckel-Gruber syndrome. Also called: DYSENCEPHALIA SPLANCHNOCYSTICA; Dysencephalia splachnocystica; GRUBER SYNDROME. Identifiers: Orphanet 564, MedGen C0265215, MONDO:0018921.
Joubert syndrome. Also called: Familial aplasia of the vermis; JOUBERT-BOLTSHAUSER SYNDROME. Identifiers: Orphanet 475, MedGen C5979921, MONDO:0018772.

Allele frequency attached by ClinVar (database versions not stated): gnomAD exomes 0.00001 and 0.00002; ExAC 0.00002; gnomAD 0.00003.
gnomAD v4.1: 17 of 1,614,094 alleles (0.0011%); highest among the groups gnomAD compares: Non-Finnish European, 0.0014%; no homozygotes.

Submissions (4):

Labcorp Genetics (formerly Invitae), Labcorp
Classification: Likely benign for Joubert syndrome; Meckel-Gruber syndrome. Last evaluated: 2025-09-29. Review status: criteria provided, single submitter. Criteria: Invitae Variant Classification Sherloc (09022015). Collection method: clinical testing. Allele origin: germline.

PreventionGenetics, part of Exact Sciences
Classification: Likely benign for RPGRIP1L-related condition. Last evaluated: 2025-05-27. Review status: criteria provided, single submitter. Criteria: ACMG Guidelines, 2015. Collection method: clinical testing. Allele origin: germline.
Comment: This variant is classified as likely benign based on ACMG/AMP sequence variant interpretation guidelines (Richards et al. 2015 PMID: 25741868, with internal and published modifications).

CeGaT Center for Human Genetics Tuebingen
Classification: Likely benign. Last evaluated: 2024-08-01. Review status: criteria provided, single submitter. Criteria: CeGaT Center For Human Genetics Tuebingen Variant Classification Criteria Version 2. Collection method: clinical testing. Allele origin: germline. Affected: yes. Observed: 1 variant allele.
Comment: RPGRIP1L: BP4, BP7

GeneDx
Classification: Likely benign. Last evaluated: 2017-03-06. Review status: criteria provided, single submitter. Criteria: GeneDx Variant Classification (06012015). Collection method: clinical testing. Allele origin: germline. Affected: yes.
Comment: This variant is considered likely benign or benign based on one or more of the following criteria: it is a conservative change, it occurs at a poorly conserved position in the protein, it is predicted to be benign by multiple in silico algorithms, and/or has population frequency not consistent with disease.

NM_015272.5(RPGRIP1L):c.2397C>T (p.Cys799=)

Gene: RPGRIP1L (RPGRIP1 like; minus strand). Cytogenetic location: 16q12.2.
Variant type: single nucleotide variant.
Coding change: c.2397C>T on transcript NM_015272.5 (MANE Select); coding-DNA position 2397, C replaced by T.
Protein change: p.Cys799=; no amino-acid change (cysteine 799 retained).
Molecular consequence: synonymous variant.
Genome position (GRCh38, 1-based): chr16:53,645,911, G>A on the plus strand (C>T on the coding strand, the complement: RPGRIP1L is on the minus strand). VCF-style: chr16-53645911-G-A. GRCh37 (hg19) VCF-style: chr16-53679823-G-A.
Other names: c.2397C>T (NM_015272.4); c.2397C>T, p.Cys799= (NM_001127897.4, NM_001308334.3, NM_001330538.2).
Identifiers: ClinVar variation 507586 (VCV000507586.27), dbSNP rs758547965, ClinGen allele CA8057553.